The following is an entry in ClinVar:

NM_001278716.2(FBXL4):c.613A>T (p.Ile205Leu)

Gene: FBXL4 (F-box and leucine rich repeat protein 4; minus strand). Cytogenetic location: 6q16.2.
Variant type: single nucleotide variant.
Coding change: c.613A>T on transcript NM_001278716.2 (MANE Select); coding-DNA position 613, A replaced by T.
Protein change: p.Ile205Leu; replaces isoleucine 205 with leucine.
Molecular consequence: missense variant.
Genome position (GRCh38, 1-based): chr6:98,917,619, T>A on the plus strand (A>T on the coding strand, the complement: FBXL4 is on the minus strand). VCF-style: chr6-98917619-T-A. GRCh37 (hg19) VCF-style: chr6-99365495-T-A.
Other names: c.613A>T, p.Ile205Leu (NM_012160.5); short protein forms I205L.
Identifiers: ClinVar variation 4255752 (VCV004255752.2).

ClinVar aggregate classification (germline): Uncertain significance. Review status: criteria provided, multiple submitters, no conflicts (2 of 4 stars). 2 submissions from 2 submitters: Uncertain significance (2). Last evaluated 2025-08-27.

Conditions:
Mitochondrial disease. Also called: Mitochondrial disorder; Mitochondrial disorders. Identifiers: Orphanet 68380, MedGen C0751651, MeSH D028361, MONDO:0044970.
Inborn genetic diseases. Identifiers: MedGen C0950123, MeSH D030342.

gnomAD v4.1: 2 of 1,614,030 alleles (0.00012%); highest among the groups gnomAD compares: Admixed American, 0.0033%; no homozygotes.

Submissions (2):

Ambry Genetics
Classification: Uncertain significance for Inborn genetic diseases. Last evaluated: 2025-08-27. Review status: criteria provided, single submitter. Criteria: Ambry Variant Classification Scheme 2023. Collection method: clinical testing. Allele origin: germline.

Illumina Laboratory Services, Illumina
Classification: Uncertain significance for Mitochondrial disease. Last evaluated: 2024-01-09. Review status: criteria provided, single submitter. Criteria: ISL SNV Classification Criteria 03 February 2026. Collection method: clinical testing. Allele origin: unknown.
Comment: The FBXL4 c.613A>T p.(Ile205Leu) missense variant has not, to our knowledge, been reported in the peer-reviewed literature. This variant is not observed at a significant frequency in version 2.1.1 or version 4.0.0 of the Genome Aggregation Database. Multiple lines of computational evidence suggest the variant may not impact the gene or gene product, but another missense change at this position has been reported in association with encephalomyopathic mitochondrial DNA depletion syndrome (PMID: 23993194). Based on the available evidence, the FBXL4 c.613A>T p.(Ile205Leu) variant is classified as a variant of uncertain significance for primary mitochondrial disease.

Literature cited by the submitters: PubMed 23993194 (cited by Illumina Laboratory Services, Illumina).